The following is an entry in ClinVar:

ClinVar aggregate classification (germline): Uncertain significance. Review status: criteria provided, multiple submitters, no conflicts (2 of 4 stars). 5 submissions from 5 submitters: Uncertain significance (5). Last evaluated 2025-03-24.

Conditions:
Familial cancer of breast. Also called: hereditary breast carcinoma; BREAST CANCER, FAMILIAL; Hereditary breast cancer. Identifiers: Orphanet 227535, MedGen C0346153, MONDO:0016419, OMIM 114480. Disease mechanism: loss of function.
Hereditary cancer-predisposing syndrome. Also called: Hereditary neoplastic syndrome; Neoplastic Syndromes, Hereditary; Hereditary Cancer Syndrome; Tumor predisposition. Identifiers: Orphanet 140162, MedGen C0027672, MeSH D009386, MONDO:0015356.

Allele frequency attached by ClinVar (database versions not stated): gnomAD exomes below 0.00001.
gnomAD v4.1: 1 of 1,560,172 alleles (0.000064%); highest among the groups gnomAD compares: Non-Finnish European, 0.000088%; no homozygotes.

Submissions (5):

Quest Diagnostics Nichols Institute San Juan Capistrano
Classification: Uncertain significance. Last evaluated: 2025-03-24. Review status: criteria provided, single submitter. Criteria: Quest Diagnostics criteria. Collection method: clinical testing. Allele origin: unknown.
Comment: The CHEK2 c.853A>G (p.Ile285Val) variant has not been reported in individuals with CHEK2-related conditions in the published literature. It also has not been reported in large, multi-ethnic general populations (Genome Aggregation Database). Analysis of this variant using bioinformatics tools for the prediction of the effect of amino acid changes on protein structure and function yielded conflicting predictions that this variant is benign or damaging. Based on the available information, we are unable to determine the clinical significance of this variant.

Labcorp Genetics (formerly Invitae), Labcorp
Classification: Uncertain significance for Familial cancer of breast. Last evaluated: 2024-11-25. Review status: criteria provided, single submitter. Criteria: Invitae Variant Classification Sherloc (09022015). Collection method: clinical testing. Allele origin: germline.
Comment: This sequence change replaces isoleucine, which is neutral and non-polar, with valine, which is neutral and non-polar, at codon 285 of the CHEK2 protein (p.Ile285Val). This variant is not present in population databases (gnomAD no frequency). This variant has not been reported in the literature in individuals affected with CHEK2-related conditions. ClinVar contains an entry for this variant (Variation ID: 577946). An algorithm developed to predict the effect of missense changes on protein structure and function (PolyPhen-2) suggests that this variant is likely to be disruptive. In summary, the available evidence is currently insufficient to determine the role of this variant in disease. Therefore, it has been classified as a Variant of Uncertain Significance.

Color Diagnostics, LLC DBA Color Health
Classification: Uncertain significance for Hereditary cancer-predisposing syndrome. Last evaluated: 2024-03-06. Review status: criteria provided, single submitter. Criteria: ACMG Guidelines, 2015. Collection method: clinical testing. Allele origin: germline.
Comment: This missense variant replaces isoleucine with valine at codon 285 of the CHEK2 protein. Computational prediction suggests that this variant may not impact protein structure and function (internally defined REVEL score threshold <= 0.5, PMID: 27666373). To our knowledge, functional studies have not been reported for this variant. This variant has not been reported in individuals affected with hereditary cancer in the literature. This variant has not been identified in the general population by the Genome Aggregation Database (gnomAD). The available evidence is insufficient to determine the role of this variant in disease conclusively. Therefore, this variant is classified as a Variant of Uncertain Significance.

Blueprint Genetics
Classification: Uncertain significance. Last evaluated: 2021-04-08. Review status: criteria provided, single submitter. Criteria: ACMG Guidelines, 2015. Collection method: clinical testing. Allele origin: germline.

Ambry Genetics
Classification: Uncertain significance for Hereditary cancer-predisposing syndrome. Last evaluated: 2018-06-28. Review status: criteria provided, single submitter. Criteria: Ambry Variant Classification Scheme 2023. Collection method: clinical testing. Allele origin: germline.
Comment: The p.I285V variant (also known as c.853A>G), located in coding exon 7 of the CHEK2 gene, results from an A to G substitution at nucleotide position 853. The isoleucine at codon 285 is replaced by valine, an amino acid with highly similar properties. This amino acid position is well conserved in available vertebrate species. In addition, this alteration is predicted to be tolerated by in silico analysis. Since supporting evidence is limited at this time, the clinical significance of this alteration remains unclear.

NM_007194.4(CHEK2):c.853A>G (p.Ile285Val)

Gene: CHEK2 (checkpoint kinase 2; minus strand). Cytogenetic location: 22q12.1.
Variant type: single nucleotide variant.
Coding change: c.853A>G on transcript NM_007194.4 (MANE Select); coding-DNA position 853, A replaced by G.
Protein change: p.Ile285Val; replaces isoleucine 285 with valine.
Molecular consequence: missense variant.
Genome position (GRCh38, 1-based): chr22:28,703,560, T>C on the plus strand (A>G on the coding strand, the complement: CHEK2 is on the minus strand). VCF-style: chr22-28703560-T-C. GRCh37 (hg19) VCF-style: chr22-29099548-T-C.
Other names: c.982A>G, p.Ile328Val (NM_001005735.3); c.190A>G, p.Ile64Val (NM_001257387.3); c.652A>G, p.Ile218Val (NM_001349956.3); c.853A>G, p.Ile285Val (NM_145862.3); short protein forms I285V, I64V, I328V, I218V.
Identifiers: ClinVar variation 577946 (VCV000577946.19), dbSNP rs1555917027, ClinGen allele CA411101338.